The following is an entry in ClinVar:

NM_001430.5(EPAS1):c.2548G>A (p.Val850Met)

Gene: EPAS1 (endothelial PAS domain protein 1; plus strand). Cytogenetic location: 2p21.
Variant type: single nucleotide variant.
Coding change: c.2548G>A on transcript NM_001430.5 (MANE Select); coding-DNA position 2548, G replaced by A.
Protein change: p.Val850Met; replaces valine 850 with methionine.
Molecular consequence: missense variant.
Genome position (GRCh38, 1-based): chr2:46,384,595, G>A. VCF-style: chr2-46384595-G-A. GRCh37 (hg19) VCF-style: chr2-46611734-G-A.
Other names: short protein forms V850M.
Identifiers: ClinVar variation 2456308 (VCV002456308.4), dbSNP rs779305044, ClinGen allele CA1645403.

ClinVar aggregate classification (germline): Uncertain significance. Review status: criteria provided, multiple submitters, no conflicts (2 of 4 stars). 2 submissions from 2 submitters: Uncertain significance (2). Last evaluated 2025-10-29.

Conditions:
Inborn genetic diseases. Identifiers: MedGen C0950123, MeSH D030342.

Allele frequency attached by ClinVar (database versions not stated): TOPMed 0.00004; gnomAD 0.00005; gnomAD exomes 0.00009; ExAC 0.00015.
gnomAD v4.1: 136 of 1,613,964 alleles (0.0084%); highest among the groups gnomAD compares: South Asian, 0.0099%; no homozygotes.

Submissions (2):

Labcorp Genetics (formerly Invitae), Labcorp
Classification: Uncertain significance. Last evaluated: 2025-10-29. Review status: criteria provided, single submitter. Criteria: Invitae Variant Classification Sherloc (09022015). Collection method: clinical testing. Allele origin: germline.
Comment: This sequence change replaces valine, which is neutral and non-polar, with methionine, which is neutral and non-polar, at codon 850 of the EPAS1 protein (p.Val850Met). This variant is present in population databases (rs779305044, gnomAD 0.02%). This variant has not been reported in the literature in individuals affected with EPAS1-related conditions. ClinVar contains an entry for this variant (Variation ID: 2456308). An algorithm developed to predict the effect of missense changes on protein structure and function (PolyPhen-2) suggests that this variant is likely to be tolerated. In summary, the available evidence is currently insufficient to determine the role of this variant in disease. Therefore, it has been classified as a Variant of Uncertain Significance.

Ambry Genetics
Classification: Uncertain significance for Inborn genetic diseases. Last evaluated: 2025-09-10. Review status: criteria provided, single submitter. Criteria: Ambry Variant Classification Scheme 2023. Collection method: clinical testing. Allele origin: germline.